The following is an entry in ClinVar:

ClinVar aggregate classification (germline): Uncertain significance (1 of 4 stars; one submission).

gnomAD v4.1: 3 of 1,550,450 alleles (0.00019%); highest among the groups gnomAD compares: Non-Finnish European, 0.00017%; no homozygotes.

Submission:

GeneDx
Classification: Uncertain significance. Last evaluated: 2026-02-04. Review status: criteria provided, single submitter. Criteria: GeneDx Variant Classification Process June 2021. Collection method: clinical testing. Allele origin: germline.
Comment: Not observed at significant frequency in large population cohorts (gnomAD); In silico analysis suggests that this missense variant does not alter protein structure/function; Has not been previously published as pathogenic or benign to our knowledge

NM_001079843.3(CASZ1):c.2432C>T (p.Thr811Ile)

Gene: CASZ1 (castor zinc finger 1; minus strand). Cytogenetic location: 1p36.22.
Variant type: single nucleotide variant.
Coding change: c.2432C>T on transcript NM_001079843.3 (MANE Select); coding-DNA position 2432, C replaced by T.
Protein change: p.Thr811Ile; replaces threonine 811 with isoleucine.
Molecular consequence: missense variant.
Genome position (GRCh38, 1-based): chr1:10,653,625, G>A on the plus strand (C>T on the coding strand, the complement: CASZ1 is on the minus strand). VCF-style: chr1-10653625-G-A. GRCh37 (hg19) VCF-style: chr1-10713682-G-A.
Other names: c.2432C>T, p.Thr811Ile (NM_017766.5); short protein forms T811I.
Identifiers: ClinVar variation 4975939 (VCV004975939.1).